The following is an entry in ClinVar:

ClinVar aggregate classification (germline): Pathogenic (1 of 4 stars; one submission).

Conditions:
Oligodontia-cancer predisposition syndrome. Also called: TOOTH AGENESIS-COLORECTAL CANCER SYNDROME. Identifiers: Orphanet 300576, MedGen C1837750, MONDO:0012075, OMIM 608615. Disease mechanism: loss of function.

Submission:

Labcorp Genetics (formerly Invitae), Labcorp
Classification: Pathogenic for Oligodontia-cancer predisposition syndrome. Last evaluated: 2023-04-08. Review status: criteria provided, single submitter. Criteria: Invitae Variant Classification Sherloc (09022015). Collection method: clinical testing. Allele origin: germline.
Comment: This sequence change creates a premature translational stop signal (p.Ser466Profs*24) in the AXIN2 gene. It is expected to result in an absent or disrupted protein product. Loss-of-function variants in AXIN2 are known to be pathogenic (PMID: 15042511, 21416598). This variant is not present in population databases (gnomAD no frequency). This variant has not been reported in the literature in individuals affected with AXIN2-related conditions. For these reasons, this variant has been classified as Pathogenic.

Literature cited by the submitters: PubMed 15042511; PubMed 21416598.

NM_004655.4(AXIN2):c.1396_1447del (p.Ser466fs)

Gene: AXIN2 (axin 2; minus strand). Cytogenetic location: 17q24.1.
Variant type: Deletion.
Coding change: c.1396_1447del on transcript NM_004655.4 (MANE Select); coding-DNA positions 1396 to 1447, 52 bases deleted.
Protein change: p.Ser466fs; shifts the reading frame from serine 466.
Molecular consequence: frameshift variant.
Genome position (GRCh38, 1-based): chr17:65,537,589-65,537,640, 52 bases deleted. GRCh37 (hg19): chr17:63,533,715-63,533,766.
Other names: c.1396_1447del, p.Ser466fs (NM_001363813.1); short protein forms S466fs.
Identifiers: ClinVar variation 2853551 (VCV002853551.3), dbSNP rs2509414761, ClinGen allele CA2739268337.